The following is an entry in ClinVar:

NM_000051.4(ATM):c.7830A>T (p.Arg2610Ser)

Genes: ATM (ATM serine/threonine kinase; plus strand), C11orf65 (chromosome 11 open reading frame 65; minus strand). Cytogenetic location: 11q22.3.
Variant type: single nucleotide variant.
Coding change: c.7830A>T on transcript NM_000051.4 (MANE Select); coding-DNA position 7830, A replaced by T.
Protein change: p.Arg2610Ser; replaces arginine 2610 with serine.
Molecular consequence: missense variant. On other transcripts: intron variant (2).
Genome position (GRCh38, 1-based): chr11:108,332,803, A>T. VCF-style: chr11-108332803-A-T. GRCh37 (hg19) VCF-style: chr11-108203530-A-T.
Other names: c.7830A>T, p.Arg2610Ser (NM_001351834.2); c.641-23732T>A (NM_001330368.2); c.*38+2417T>A (NM_001351110.2); short protein forms R2610S.
Identifiers: ClinVar variation 2774720 (VCV002774720.1), dbSNP rs2136564073, ClinGen allele CA382561324.

ClinVar aggregate classification (germline): Uncertain significance (1 of 4 stars; one submission).

Conditions:
Hereditary cancer-predisposing syndrome. Also called: Tumor predisposition; Neoplastic Syndromes, Hereditary; Hereditary Cancer Syndrome; Hereditary neoplastic syndrome. Identifiers: Orphanet 140162, MedGen C0027672, MeSH D009386, MONDO:0015356.

Submission:

Color Diagnostics, LLC DBA Color Health
Classification: Uncertain significance for Hereditary cancer-predisposing syndrome. Last evaluated: 2024-03-06. Review status: criteria provided, single submitter. Criteria: ACMG Guidelines, 2015. Collection method: clinical testing. Allele origin: germline.
Comment: This missense variant replaces arginine with serine at codon 2610 of the ATM protein. Computational prediction suggests that this variant may not impact protein structure and function (internally defined REVEL score threshold <= 0.5, PMID: 27666373). To our knowledge, functional studies have not been reported for this variant. This variant has not been reported in individuals affected with hereditary cancer in the literature. This variant has not been identified in the general population by the Genome Aggregation Database (gnomAD). The available evidence is insufficient to determine the role of this variant in disease conclusively. Therefore, this variant is classified as a Variant of Uncertain Significance.